The following is an entry in ClinVar:

NM_207122.2(EXT2):c.979G>A (p.Gly327Ser)

Gene: EXT2 (exostosin glycosyltransferase 2; plus strand). Cytogenetic location: 11p11.2.
Variant type: single nucleotide variant.
Coding change: c.979G>A on transcript NM_207122.2 (MANE Select); coding-DNA position 979, G replaced by A.
Protein change: p.Gly327Ser; replaces glycine 327 with serine.
Molecular consequence: missense variant.
Genome position (GRCh38, 1-based): chr11:44,126,855, G>A. VCF-style: chr11-44126855-G-A. GRCh37 (hg19) VCF-style: chr11-44148405-G-A.
Other names: c.1078G>A, p.Gly360Ser (NM_000401.3); c.979G>A, p.Gly327Ser (NM_001178083.3, NM_001389628.1, NM_001389630.1); short protein forms G327S, G360S.
Identifiers: ClinVar variation 3665409 (VCV003665409.4).

ClinVar aggregate classification (germline): Uncertain significance. Review status: criteria provided, multiple submitters, no conflicts (2 of 4 stars). 3 submissions from 3 submitters: Uncertain significance (3). Last evaluated 2026-01-26.

Conditions:
Exostoses, multiple, type 2 (EXT2). Also called: Hereditary Multiple Osteochondromatosis, Type II; EXOSTOSES, MULTIPLE, TYPE II. Identifiers: Orphanet 321, MedGen C1851413, MONDO:0007586, OMIM 133701.
EXT2-related disorder. Also called: EXT2-related condition.
Inborn genetic diseases. Identifiers: MedGen C0950123, MeSH D030342.

gnomAD v4.1: 16 of 1,613,968 alleles (0.00099%); highest among the groups gnomAD compares: African/African-American, 0.0013%; no homozygotes.

Submissions (3):

PreventionGenetics, part of Exact Sciences
Classification: Uncertain significance for EXT2-related condition. Last evaluated: 2026-01-26. Review status: criteria provided, single submitter. Criteria: ACMG Guidelines, 2015. Collection method: clinical testing. Allele origin: germline.
Comment: The EXT2 c.979G>A variant is predicted to result in the amino acid substitution p.Gly327Ser. To our knowledge, this variant has not been reported in the literature. This variant is reported in 0.0015% of alleles in individuals of European (Non-Finnish) descent in gnomAD. At this time, the clinical significance of this variant is uncertain due to the absence of conclusive functional and genetic evidence.

Ambry Genetics
Classification: Uncertain significance for Inborn genetic diseases. Last evaluated: 2026-01-09. Review status: criteria provided, single submitter. Criteria: Ambry Variant Classification Scheme 2023. Collection method: clinical testing. Allele origin: germline.

Labcorp Genetics (formerly Invitae), Labcorp
Classification: Uncertain significance for Exostoses, multiple, type 2. Last evaluated: 2025-08-10. Review status: criteria provided, single submitter. Criteria: Invitae Variant Classification Sherloc (09022015). Collection method: clinical testing. Allele origin: germline.
Comment: This sequence change replaces glycine, which is neutral and non-polar, with serine, which is neutral and polar, at codon 327 of the EXT2 protein (p.Gly327Ser). This variant is present in population databases (no rsID available, gnomAD 0.007%). This variant has not been reported in the literature in individuals affected with EXT2-related conditions. ClinVar contains an entry for this variant (Variation ID: 3665409). Invitae Evidence Modeling of protein sequence and biophysical properties (such as structural, functional, and spatial information, amino acid conservation, physicochemical variation, residue mobility, and thermodynamic stability) indicates that this missense variant is not expected to disrupt EXT2 protein function with a negative predictive value of 95%. In summary, the available evidence is currently insufficient to determine the role of this variant in disease. Therefore, it has been classified as a Variant of Uncertain Significance.